The following is an entry in ClinVar:

ClinVar aggregate classification (germline): Uncertain significance (1 of 4 stars; one submission).

Submission:

Labcorp Genetics (formerly Invitae), Labcorp
Classification: Uncertain significance. Last evaluated: 2023-01-09. Review status: criteria provided, single submitter. Criteria: Invitae Variant Classification Sherloc (09022015). Collection method: clinical testing. Allele origin: germline.
Comment: This variant is not present in population databases (gnomAD no frequency). This sequence change replaces phenylalanine, which is neutral and non-polar, with leucine, which is neutral and non-polar, at codon 89 of the ASPM protein (p.Phe89Leu). This variant has not been reported in the literature in individuals affected with ASPM-related conditions. Advanced modeling of protein sequence and biophysical properties (such as structural, functional, and spatial information, amino acid conservation, physicochemical variation, residue mobility, and thermodynamic stability) performed at Invitae indicates that this missense variant is not expected to disrupt ASPM protein function. In summary, the available evidence is currently insufficient to determine the role of this variant in disease. Therefore, it has been classified as a Variant of Uncertain Significance.

NM_018136.5(ASPM):c.267C>A (p.Phe89Leu)

Gene: ASPM (assembly factor for spindle microtubules; minus strand). Cytogenetic location: 1q31.3.
Variant type: single nucleotide variant.
Coding change: c.267C>A on transcript NM_018136.5 (MANE Select); coding-DNA position 267, C replaced by A.
Protein change: p.Phe89Leu; replaces phenylalanine 89 with leucine.
Molecular consequence: missense variant.
Genome position (GRCh38, 1-based): chr1:197,146,171, G>T on the plus strand (C>A on the coding strand, the complement: ASPM is on the minus strand). VCF-style: chr1-197146171-G-T. GRCh37 (hg19) VCF-style: chr1-197115301-G-T.
Other names: c.267C>A, p.Phe89Leu (NM_001206846.2); short protein forms F89L.
Identifiers: ClinVar variation 2827358 (VCV002827358.3), dbSNP rs2527412476, ClinGen allele CA344021887.